The following is an entry in ClinVar:

NM_014862.4(ARNT2):c.283G>T (p.Ala95Ser)

Gene: ARNT2 (aryl hydrocarbon receptor nuclear translocator 2; plus strand). Cytogenetic location: 15q25.1.
Variant type: single nucleotide variant.
Coding change: c.283G>T on transcript NM_014862.4 (MANE Select); coding-DNA position 283, G replaced by T.
Protein change: p.Ala95Ser; replaces alanine 95 with serine.
Molecular consequence: missense variant.
Genome position (GRCh38, 1-based): chr15:80,470,306, G>T. VCF-style: chr15-80470306-G-T. GRCh37 (hg19) VCF-style: chr15-80762647-G-T.
Other names: short protein forms A95S.
Identifiers: ClinVar variation 2116830 (VCV002116830.3), dbSNP rs1377714549, ClinGen allele CA393653841.

ClinVar aggregate classification (germline): Uncertain significance (1 of 4 stars; one submission).

gnomAD v4.1: 1 of 1,614,156 alleles (0.000062%); highest among the groups gnomAD compares: Non-Finnish European, 0.000085%; no homozygotes.

Submission:

Labcorp Genetics (formerly Invitae), Labcorp
Classification: Uncertain significance. Last evaluated: 2024-10-23. Review status: criteria provided, single submitter. Criteria: Invitae Variant Classification Sherloc (09022015). Collection method: clinical testing. Allele origin: germline.
Comment: This sequence change replaces alanine, which is neutral and non-polar, with serine, which is neutral and polar, at codon 95 of the ARNT2 protein (p.Ala95Ser). This variant is not present in population databases (gnomAD no frequency). This variant has not been reported in the literature in individuals affected with ARNT2-related conditions. ClinVar contains an entry for this variant (Variation ID: 2116830). An algorithm developed to predict the effect of missense changes on protein structure and function (PolyPhen-2) suggests that this variant is likely to be disruptive. In summary, the available evidence is currently insufficient to determine the role of this variant in disease. Therefore, it has been classified as a Variant of Uncertain Significance.